The following is an entry in ClinVar:

NM_000824.5(GLRB):c.*251A>G

Gene: GLRB (glycine receptor beta; plus strand). Cytogenetic location: 4q32.1.
Variant type: single nucleotide variant.
Coding change: c.*251A>G on transcript NM_000824.5 (MANE Select); 251 bases downstream of the stop codon, A replaced by G.
Molecular consequence: 3 prime UTR variant.
Genome position (GRCh38, 1-based): chr4:157,170,979, A>G. VCF-style: chr4-157170979-A-G. GRCh37 (hg19) VCF-style: chr4-158092131-A-G.
Other names: c.*251A>G (NM_001166060.2); c.*540A>G (NM_001166061.2).
Identifiers: ClinVar variation 347934 (VCV000347934.5), dbSNP rs41279333, ClinGen allele CA10620379.
Genomic context (GRCh38, chr4:157,170,979, plus strand): 5'-CGATGTATATATGTATAGTGAACATATTGCTTAGTAACAAATGAAGGACAAGCATACTAC[A>G]TAATATAATCCATACAATTCTCTTCAGTTAGTGTAAACTGCAAATACTACAGATAATTCT-3'

ClinVar aggregate classification (germline): Benign (1 of 4 stars; one submission).

Conditions:
Hyperekplexia 2 (HKPX2). Identifiers: Orphanet 3197, MedGen C3553291, MONDO:0013828, OMIM 614619.

Allele frequency attached by ClinVar (database versions not stated): 1000 Genomes Project 0.00140; 1000 Genomes Project 30x 0.00203; gnomAD 0.00221 and 0.00223; TOPMed 0.00234.
gnomAD v4.1: 807 of 329,448 alleles (0.24%); highest among the groups gnomAD compares: Non-Finnish European, 0.35%; no homozygotes.

Submission:

Illumina Laboratory Services, Illumina
Classification: Benign for Hyperekplexia 2. Last evaluated: 2018-01-13. Review status: criteria provided, single submitter. Criteria: ICSL Variant Classification Criteria 13 December 2019. Collection method: clinical testing. Allele origin: germline.
Comment: This variant was observed in the ICSL laboratory as part of a predisposition screen in an ostensibly healthy population. It had not been previously curated by ICSL or reported in the Human Gene Mutation Database (HGMD: prior to June 1st, 2018), and was therefore a candidate for classification through an automated scoring system. Utilizing variant allele frequency, disease prevalence and penetrance estimates, and inheritance mode, an automated score was calculated to assess if this variant is too frequent to cause the disease. Based on the score and internal cut-off values, a variant classified as benign is not then subjected to further curation. The score for this variant resulted in a classification of benign for this disease.